The following is an entry in ClinVar:

NM_024721.5(ZFHX4):c.3722C>T (p.Ser1241Leu)

Gene: ZFHX4 (zinc finger homeobox 4; plus strand). Cytogenetic location: 8q21.13.
Variant type: single nucleotide variant.
Coding change: c.3722C>T on transcript NM_024721.5 (MANE Select); coding-DNA position 3722, C replaced by T.
Protein change: p.Ser1241Leu; replaces serine 1241 with leucine.
Molecular consequence: missense variant.
Genome position (GRCh38, 1-based): chr8:76,849,588, C>T. VCF-style: chr8-76849588-C-T. GRCh37 (hg19) VCF-style: chr8-77761824-C-T.
Other names: c.3644C>T, p.Ser1215Leu (NM_001410934.1); short protein forms S1241L, S1215L.
Identifiers: ClinVar variation 2369471 (VCV002369471.14), dbSNP rs201352165, ClinGen allele CA4787345.

ClinVar aggregate classification (germline): Conflicting classifications of pathogenicity. Review status: criteria provided, conflicting classifications (1 of 4 stars). 3 submissions from 3 submitters: Uncertain significance (1); Likely benign (1). 1 of the submissions does not count toward it. Last evaluated 2025-06-01.

Conditions:
ZFHX4-related disorder. Also called: ZFHX4-related condition.

Allele frequency attached by ClinVar (database versions not stated): 1000 Genomes Project 30x 0.00031; 1000 Genomes Project 0.00040; TOPMed 0.00057; ESP Exome Variant Server 0.00089.
gnomAD v4.1: 1,486 of 1,613,938 alleles (0.092%); highest among the groups gnomAD compares: Non-Finnish European, 0.11%; 1 homozygote.

Submissions (3):

CeGaT Center for Human Genetics Tuebingen
Classification: Likely benign. Last evaluated: 2025-06-01. Review status: criteria provided, single submitter. Criteria: CeGaT Center For Human Genetics Tuebingen Variant Classification Criteria Version 2. Collection method: clinical testing. Allele origin: germline. Affected: yes. Observed: 1 variant allele.
Comment: ZFHX4: BS1

Ambry Genetics
Classification: Uncertain significance. Last evaluated: 2023-12-28. Review status: criteria provided, single submitter. Criteria: Ambry Variant Classification Scheme 2023. Collection method: clinical testing. Allele origin: germline.

PreventionGenetics, part of Exact Sciences
Classification: Likely benign for ZFHX4-related condition. Last evaluated: 2022-02-23. Review status: no assertion criteria provided. Collection method: clinical testing. Allele origin: germline. Not counted in ClinVar's aggregate classification.
Comment: This variant is classified as likely benign based on ACMG/AMP sequence variant interpretation guidelines (Richards et al. 2015 PMID: 25741868, with internal and published modifications).